The following is an entry in ClinVar:

ClinVar aggregate classification (germline): Uncertain significance. Review status: criteria provided, multiple submitters, no conflicts (2 of 4 stars). 2 submissions from 2 submitters: Uncertain significance (2). Last evaluated 2022-08-22.

Conditions:
Retinitis pigmentosa (RP). Identifiers: Orphanet 791, MedGen C0035334, MeSH D012174, MONDO:0019200, OMIM 268000. Inheritance: Autosomal dominant, autosomal recessive and X linked inheritance.
Neuronal ceroid lipofuscinosis. Also called: Neuronal Ceroid Lipofuscinoses. Identifiers: Orphanet 216, Orphanet 79263, MedGen C0027877, MONDO:0016295. Disease mechanism: loss of function.

Submissions (2):

Labcorp Genetics (formerly Invitae), Labcorp
Classification: Uncertain significance for Neuronal ceroid lipofuscinosis. Last evaluated: 2022-08-22. Review status: criteria provided, single submitter. Criteria: Invitae Variant Classification Sherloc (09022015). Collection method: clinical testing. Allele origin: germline.
Comment: This sequence change replaces glutamine, which is neutral and polar, with proline, which is neutral and non-polar, at codon 204 of the CLN3 protein (p.Gln204Pro). This variant is not present in population databases (gnomAD no frequency). This variant has not been reported in the literature in individuals affected with CLN3-related conditions. ClinVar contains an entry for this variant (Variation ID: 1213978). Algorithms developed to predict the effect of missense changes on protein structure and function are either unavailable or do not agree on the potential impact of this missense change (SIFT: "Tolerated"; PolyPhen-2: "Possibly Damaging"; Align-GVGD: "Class C0"). In summary, the available evidence is currently insufficient to determine the role of this variant in disease. Therefore, it has been classified as a Variant of Uncertain Significance.

DBGen Ocular Genomics
Classification: Uncertain significance for Retinitis pigmentosa. Last evaluated: 2021-06-02. Review status: criteria provided, single submitter. Criteria: ACMG Guidelines, 2015. Collection method: clinical testing. Allele origin: germline. Affected: yes. Observed: 1 variant allele.

NM_001042432.2(CLN3):c.611A>C (p.Gln204Pro)

Gene: CLN3 (CLN3 lysosomal/endosomal transmembrane protein, battenin; minus strand). Cytogenetic location: 16p12.1.
Variant type: single nucleotide variant.
Coding change: c.611A>C on transcript NM_001042432.2 (MANE Select); coding-DNA position 611, A replaced by C.
Protein change: p.Gln204Pro; replaces glutamine 204 with proline.
Molecular consequence: missense variant.
Genome position (GRCh38, 1-based): chr16:28,486,413, T>G on the plus strand (A>C on the coding strand, the complement: CLN3 is on the minus strand). VCF-style: chr16-28486413-T-G. GRCh37 (hg19) VCF-style: chr16-28497734-T-G.
Other names: c.611A>C, p.Gln204Pro (NM_000086.2); c.539A>C, p.Gln180Pro (NM_001286104.2); c.311A>C, p.Gln104Pro (NM_001286105.2); c.377A>C, p.Gln126Pro (NM_001286109.2); c.449A>C, p.Gln150Pro (NM_001286110.2); short protein forms Q104P, Q126P, Q150P, Q180P, Q204P.
Identifiers: ClinVar variation 1213978 (VCV001213978.5), dbSNP rs2141712276, ClinGen allele CA395345298.